The following is an entry in ClinVar:

NM_001330588.2(TPP2):c.568G>A (p.Asp190Asn)

Gene: TPP2 (tripeptidyl peptidase 2; plus strand). Cytogenetic location: 13q33.1.
Variant type: single nucleotide variant.
Coding change: c.568G>A on transcript NM_001330588.2 (MANE Select); coding-DNA position 568, G replaced by A.
Protein change: p.Asp190Asn; replaces aspartic acid 190 with asparagine.
Molecular consequence: missense variant. On other transcripts: non-coding transcript variant (1).
Genome position (GRCh38, 1-based): chr13:102,618,794, G>A. VCF-style: chr13-102618794-G-A. GRCh37 (hg19) VCF-style: chr13-103271144-G-A.
Other names: c.568G>A, p.Asp190Asn (NM_001367947.1, NM_003291.4); short protein forms D190N.
Identifiers: ClinVar variation 839551 (VCV000839551.7), dbSNP rs1409635749, ClinGen allele CA388475478.
Genomic context (GRCh38, chr13:102,618,794, plus strand): 5'-ATCAAGGAGGAACTTCAAAGTCAAGTGGAATTGCTAAATTCTTTTGAGAAGAAATACAGC[G>A]ATCCTGGCCCTGTATATGACTGCTTGGTATGGCATGATGGCGAAGTCTGGAGGTAAACTT-3'
Protein context (NP_001317517.1, residues 180-200): LLNSFEKKYS[Asp190Asn]PGPVYDCLVW

ClinVar aggregate classification (germline): Uncertain significance (1 of 4 stars; one submission).

Conditions:
Evans syndrome, immunodeficiency, and premature immunosenescence associated with tripeptidyl-peptidase II deficiency. Identifiers: MedGen CN231723. Disease mechanism: loss of function.

Allele frequency attached by ClinVar (database versions not stated): gnomAD exomes below 0.00001 and 0.00001; TOPMed below 0.00001; gnomAD 0.00001.
gnomAD v4.1: 18 of 1,613,812 alleles (0.0011%); highest among the groups gnomAD compares: Non-Finnish European, 0.0015%; no homozygotes.

Submission:

Labcorp Genetics (formerly Invitae), Labcorp
Classification: Uncertain significance for Evans syndrome, immunodeficiency, and premature immunosenescence associated with tripeptidyl-peptidase II deficiency. Last evaluated: 2022-09-19. Review status: criteria provided, single submitter. Criteria: Invitae Variant Classification Sherloc (09022015). Collection method: clinical testing. Allele origin: germline.
Comment: This sequence change replaces aspartic acid, which is acidic and polar, with asparagine, which is neutral and polar, at codon 190 of the TPP2 protein (p.Asp190Asn). This variant is present in population databases (no rsID available, gnomAD 0.0009%). This variant has not been reported in the literature in individuals affected with TPP2-related conditions. ClinVar contains an entry for this variant (Variation ID: 839551). Algorithms developed to predict the effect of missense changes on protein structure and function are either unavailable or do not agree on the potential impact of this missense change (SIFT: "Deleterious"; PolyPhen-2: "Benign"; Align-GVGD: "Class C0"). In summary, the available evidence is currently insufficient to determine the role of this variant in disease. Therefore, it has been classified as a Variant of Uncertain Significance.